The following is an entry in ClinVar:

ClinVar aggregate classification (germline): Likely benign. Review status: criteria provided, multiple submitters, no conflicts (2 of 4 stars). 2 submissions from 2 submitters: Likely benign (2). Last evaluated 2025-09-07.

Allele frequency attached by ClinVar (database versions not stated): gnomAD exomes 0.00004; TOPMed 0.00005; gnomAD 0.00006 and 0.00007; ExAC 0.00007; 1000 Genomes Project 0.00040; 1000 Genomes Project 30x 0.00078.
gnomAD v4.1: 72 of 1,614,064 alleles (0.0045%); highest among the groups gnomAD compares: East Asian, 0.0089%; no homozygotes.

Submissions (2):

Labcorp Genetics (formerly Invitae), Labcorp
Classification: Likely benign. Last evaluated: 2025-09-07. Review status: criteria provided, single submitter. Criteria: Invitae Variant Classification Sherloc (09022015). Collection method: clinical testing. Allele origin: germline.

GeneDx
Classification: Likely benign. Last evaluated: 2017-08-15. Review status: criteria provided, single submitter. Criteria: GeneDx Variant Classification (06012015). Collection method: clinical testing. Allele origin: germline. Affected: yes.
Comment: This variant is considered likely benign or benign based on one or more of the following criteria: it is a conservative change, it occurs at a poorly conserved position in the protein, it is predicted to be benign by multiple in silico algorithms, and/or has population frequency not consistent with disease.

NM_213595.4(ISCU):c.291C>T (p.Ser97=)

Gene: ISCU (iron-sulfur cluster assembly enzyme; plus strand). Cytogenetic location: 12q23.3.
Variant type: single nucleotide variant.
Coding change: c.291C>T on transcript NM_213595.4 (MANE Select); coding-DNA position 291, C replaced by T.
Protein change: p.Ser97=; no amino-acid change (serine 97 retained).
Molecular consequence: synonymous variant. On other transcripts: non-coding transcript variant (1).
Genome position (GRCh38, 1-based): chr12:108,565,383, C>T. VCF-style: chr12-108565383-C-T. GRCh37 (hg19) VCF-style: chr12-108959159-C-T.
Other names: c.291C>T, p.Ser97= (NM_001301140.1, NM_001301141.1, NM_001320042.1); c.216C>T, p.Ser72= (NM_014301.4).
Identifiers: ClinVar variation 511189 (VCV000511189.6), dbSNP rs202085340, ClinGen allele CA6768818.